The following is an entry in ClinVar:

NM_000271.5(NPC1):c.337_340dup (p.Ser114delinsMetTer)

Gene: NPC1 (NPC intracellular cholesterol transporter 1; minus strand). Cytogenetic location: 18q11.2.
Variant type: Duplication.
Coding change: c.337_340dup on transcript NM_000271.5 (MANE Select); coding-DNA positions 337 to 340, 4 bases duplicated (TGTA; older notation c.337_340dupTGTA).
Protein change: p.Ser114delinsMetTer.
Molecular consequence: nonsense.
Genome position (GRCh38, 1-based): chr18:23,568,946-23,568,949, TACA duplicated on the plus strand (TGTA on the coding strand, the reverse complement: NPC1 is on the minus strand); duplicating any 4 consecutive bases within chr18:23,568,946-23,568,950 gives the same sequence; the c. name uses the placement nearest the transcript's 3' end. VCF-style (leftmost placement, unchanged base first): chr18-23568945-C-CTACA. GRCh37 (hg19) VCF-style: chr18-21148909-C-CTACA.
Identifiers: ClinVar variation 3242177 (VCV003242177.1), dbSNP rs2511341408.
Genomic context (GRCh38, chr18:23,568,945, plus strand): 5'-GTAACAGGATCAACATAATCTTCAGTAGCTGTAACATTCAAAAACTGACTCTGTCGAGGG[C>CTACA]TACATGTCAGCTCACAAAACAGGTTCAGTAGGTTATAAAAACAGGATGGACATCTAAAGG-3'

ClinVar aggregate classification (germline): Likely pathogenic (1 of 4 stars; one submission).

Conditions:
Niemann-Pick disease, type C1. Also called: NEUROVISCERAL STORAGE DISEASE WITH VERTICAL SUPRANUCLEAR OPHTHALMOPLEGIA; NIEMANN-PICK DISEASE WITH CHOLESTEROL ESTERIFICATION BLOCK; NIEMANN-PICK DISEASE WITHOUT SPHINGOMYELINASE DEFICIENCY; NIEMANN-PICK DISEASE, CHRONIC NEURONOPATHIC FORM; NIEMANN-PICK DISEASE, VARIANT TYPE C1. Identifiers: Orphanet 646, MedGen C3179455, MONDO:0009757, OMIM 257220.

Submission:

Neuberg Centre For Genomic Medicine, NCGM
Classification: Likely pathogenic for Niemann-Pick disease, type C1. Review status: criteria provided, single submitter. Criteria: ACMG Guidelines, 2015. Collection method: clinical testing. Allele origin: germline. Inheritance: Autosomal recessive inheritance. Affected: yes.
Comment: The observed frameshift c.337_340dup(p.Ser114MetfsTer2) variant in NPC1 gene has not been reported previously as a pathogenic variant nor a benign variant, to our knowledge. The p.Ser114MetfsTer2 variant is absent in gnomAD Exomes. This variant has not been submitted to the ClinVar database. This variant causes a frameshift starting with codon Serine 114, changes this amino acid to Methionine residue, and creates a premature Stop codon at position 2 of the new reading frame, denoted p.Ser114MetfsTer2. This variant is predicted to cause loss of normal protein function through protein truncation. Loss of function variants have been previously reported to be disease causing. For these reasons, this variant has been classified as Likely Pathogenic.